The following is an entry in ClinVar:

NM_001283009.2(RTEL1):c.3676G>A (p.Ala1226Thr)

Genes: RTEL1-TNFRSF6B (RTEL1-TNFRSF6B readthrough (NMD candidate); plus strand), RTEL1 (regulator of telomere elongation helicase 1; plus strand). Cytogenetic location: 20q13.33.
Variant type: single nucleotide variant.
Coding change: c.3676G>A on transcript NM_001283009.2 (MANE Select); coding-DNA position 3676, G replaced by A.
Protein change: p.Ala1226Thr; replaces alanine 1226 with threonine.
Molecular consequence: missense variant. On other transcripts: non-coding transcript variant (1), intron variant (3).
Genome position (GRCh38, 1-based): chr20:63,695,504, G>A. VCF-style: chr20-63695504-G-A. GRCh37 (hg19) VCF-style: chr20-62326857-G-A.
Other names: c.2983+24G>A (NM_001283010.1); c.3724+24G>A (NM_032957.5); c.3652+24G>A (NM_016434.4); short protein forms A1226T.
Identifiers: ClinVar variation 972621 (VCV000972621.5), dbSNP rs371373011, ClinGen allele CA9966153.

ClinVar aggregate classification (germline): Uncertain significance (1 of 4 stars; one submission).

Conditions:
Pulmonary fibrosis and/or bone marrow failure, Telomere-related, 3. Also called: PULMONARY FIBROSIS AND/OR BONE MARROW FAILURE SYNDROME, TELOMERE-RELATED, 3. Identifiers: Orphanet 2032, MedGen C4225346, MONDO:0014613, OMIM 616373.
Dyskeratosis congenita, autosomal recessive 5 (DKCB5). Identifiers: MedGen C3554656, MONDO:0014076, OMIM 615190.

Allele frequency attached by ClinVar (database versions not stated): gnomAD 0.00001; gnomAD exomes 0.00001 and 0.00002; TOPMed 0.00002; ExAC 0.00003; ESP Exome Variant Server 0.00008.
gnomAD v4.1: 15 of 1,611,358 alleles (0.00093%); highest among the groups gnomAD compares: Admixed American, 0.0083%; no homozygotes.

Submission:

Labcorp Genetics (formerly Invitae), Labcorp
Classification: Uncertain significance for Dyskeratosis congenita, autosomal recessive 5; Pulmonary fibrosis and/or bone marrow failure, Telomere-related, 3. Last evaluated: 2024-05-31. Review status: criteria provided, single submitter. Criteria: Invitae Variant Classification Sherloc (09022015). Collection method: clinical testing. Allele origin: germline.
Comment: This sequence change replaces alanine, which is neutral and non-polar, with threonine, which is neutral and polar, at codon 1226 of the RTEL1 protein (p.Ala1226Thr). This variant is present in population databases (rs371373011, gnomAD 0.01%). This variant has not been reported in the literature in individuals affected with RTEL1-related conditions. ClinVar contains an entry for this variant (Variation ID: 972621). An algorithm developed to predict the effect of missense changes on protein structure and function (PolyPhen-2) suggests that this variant is likely to be tolerated. In summary, the available evidence is currently insufficient to determine the role of this variant in disease. Therefore, it has been classified as a Variant of Uncertain Significance.